The following is an entry in ClinVar:

ClinVar aggregate classification (germline): Uncertain significance (1 of 4 stars; one submission).

Allele frequency attached by ClinVar (database versions not stated): TOPMed below 0.00001.

Submission:

Labcorp Genetics (formerly Invitae), Labcorp
Classification: Uncertain significance. Last evaluated: 2022-02-04. Review status: criteria provided, single submitter. Criteria: Invitae Variant Classification Sherloc (09022015). Collection method: clinical testing. Allele origin: germline.
Comment: This variant is not present in population databases (gnomAD no frequency). This sequence change replaces serine, which is neutral and polar, with phenylalanine, which is neutral and non-polar, at codon 764 of the COL11A2 protein (p.Ser764Phe). This variant has not been reported in the literature in individuals affected with COL11A2-related conditions. In summary, the available evidence is currently insufficient to determine the role of this variant in disease. Therefore, it has been classified as a Variant of Uncertain Significance. Advanced modeling of protein sequence and biophysical properties (such as structural, functional, and spatial information, amino acid conservation, physicochemical variation, residue mobility, and thermodynamic stability) performed at Invitae indicates that this missense variant is not expected to disrupt COL11A2 protein function.

NM_080680.3(COL11A2):c.2291C>T (p.Ser764Phe)

Gene: COL11A2 (collagen type XI alpha 2 chain; minus strand). Cytogenetic location: 6p21.32.
Variant type: single nucleotide variant.
Coding change: c.2291C>T on transcript NM_080680.3 (MANE Select); coding-DNA position 2291, C replaced by T.
Protein change: p.Ser764Phe; replaces serine 764 with phenylalanine.
Molecular consequence: missense variant.
Genome position (GRCh38, 1-based): chr6:33,175,659, G>A on the plus strand (C>T on the coding strand, the complement: COL11A2 is on the minus strand). VCF-style: chr6-33175659-G-A. GRCh37 (hg19) VCF-style: chr6-33143436-G-A.
Other names: c.1970C>T, p.Ser657Phe (NM_080679.3); c.2033C>T, p.Ser678Phe (NM_080681.3); short protein forms S678F, S764F, S657F.
Identifiers: ClinVar variation 2092678 (VCV002092678.4), dbSNP rs1770801181, ClinGen allele CA363647435.